The following is an entry in ClinVar:

ClinVar aggregate classification (germline): Likely pathogenic (1 of 4 stars; one submission).

Conditions:
Neurodegeneration with brain iron accumulation 6 (NBIA6). Also called: COASY protein-associated neurodegeneration. Identifiers: Orphanet 397725, MedGen C4517377, MONDO:0014290, OMIM 615643.

Submission:

Neuberg Centre For Genomic Medicine, NCGM
Classification: Likely pathogenic for Neurodegeneration with brain iron accumulation 6. Review status: criteria provided, single submitter. Criteria: ACMG Guidelines, 2015. Collection method: clinical testing. Allele origin: germline. Inheritance: Autosomal recessive inheritance. Affected: yes.
Comment: This variant is predicted to cause loss of normal protein function through protein truncation. Loss of function variants in this gene have been previously reported to be disease causing (Zheng, Y., et al., 2024). For these reason, this variant has been classified as Likely pathogenic

NM_025233.7(COASY):c.112dup (p.Tyr38fs)

Gene: COASY (Coenzyme A synthase; plus strand). Cytogenetic location: 17q21.2.
Variant type: Duplication.
Coding change: c.112dup on transcript NM_025233.7 (MANE Select); coding-DNA position 112, one base duplicated (T; older notation c.112dupT).
Protein change: p.Tyr38fs; shifts the reading frame from tyrosine 38.
Molecular consequence: frameshift variant.
Genome position (GRCh38, 1-based): chr17:42,562,734, T duplicated. VCF-style (leftmost placement, unchanged base first): chr17-42562733-C-CT. GRCh37 (hg19) VCF-style: chr17-40714751-C-CT.
Other names: c.112dup, p.Tyr38fs (NM_001042529.3); c.199dup, p.Tyr67fs (NM_001042532.4); short protein forms Y38fs, Y67fs.
Identifiers: ClinVar variation 4086116 (VCV004086116.1).